The following is an entry in ClinVar:

ClinVar aggregate classification (germline): Likely pathogenic (1 of 4 stars; one submission).

Submission:

Labcorp Genetics (formerly Invitae), Labcorp
Classification: Likely pathogenic. Last evaluated: 2023-02-11. Review status: criteria provided, single submitter. Criteria: Invitae Variant Classification Sherloc (09022015). Collection method: clinical testing. Allele origin: germline.
Comment: In summary, the currently available evidence indicates that the variant is pathogenic, but additional data are needed to prove that conclusively. Therefore, this variant has been classified as Likely Pathogenic. Algorithms developed to predict the effect of sequence changes on RNA splicing suggest that this variant may disrupt the consensus splice site. Disruption of this splice site has been observed in individual(s) with thyroid dyshormonogenesis (PMID: 33832185). This variant is not present in population databases (gnomAD no frequency). This sequence change affects a splice site in intron 30 of the TG gene. It is expected to disrupt RNA splicing. Variants that disrupt the donor or acceptor splice site typically lead to a loss of protein function (PMID: 16199547), and loss-of-function variants in TG are known to be pathogenic (PMID: 19837936, 23164529).

Literature cited by the submitters: PubMed 33832185; PubMed 16199547; PubMed 19837936; PubMed 23164529.

NM_003235.5(TG):c.5686+1del

Gene: TG (thyroglobulin; plus strand). Cytogenetic location: 8q24.22.
Variant type: Deletion.
Coding change: c.5686+1del on transcript NM_003235.5 (MANE Select); the canonical splice donor site of the intron after coding-DNA position 5686, one base deleted (G; older notation c.5686+1delG).
Molecular consequence: splice donor variant.
Genome position (GRCh38, 1-based): chr8:132,966,698, G deleted. VCF-style (leftmost placement, unchanged base first): chr8-132966697-CG-C. GRCh37 (hg19) VCF-style: chr8-133978942-CG-C.
Identifiers: ClinVar variation 2836300 (VCV002836300.3), dbSNP rs2491014056, ClinGen allele CA2695210263.
Genomic context (GRCh38, chr8:132,966,697, plus strand): 5'-AAGCACTGGCTTTTCAAGCACCTGTTTTCAGCCCAGCAGGCAAACCTATGGTGCCTTTCT[CG>C]TAAGTATCCTTAGAACTCATTCTTCTTCTTCCAGACACTGTAGTCAGGCATCACAGGCCA-3'